The following is an entry in ClinVar:

NM_015047.3(EMC1):c.1070C>T (p.Ser357Leu)

Genes: EMC1 (ER membrane protein complex subunit 1; minus strand), EMC1-AS1 (EMC1 antisense RNA 1; plus strand). Cytogenetic location: 1p36.13.
Variant type: single nucleotide variant.
Coding change: c.1070C>T on transcript NM_015047.3 (MANE Select); coding-DNA position 1070, C replaced by T.
Protein change: p.Ser357Leu; replaces serine 357 with leucine.
Molecular consequence: missense variant.
Genome position (GRCh38, 1-based): chr1:19,238,814, G>A on the plus strand (C>T on the coding strand, the complement: EMC1 is on the minus strand). VCF-style: chr1-19238814-G-A. GRCh37 (hg19) VCF-style: chr1-19565308-G-A.
Other names: c.1067C>T, p.Ser356Leu (NM_001271427.2, NM_001375821.1); c.1070C>T, p.Ser357Leu (NM_001271428.2, NM_001375820.1); c.1004C>T, p.Ser335Leu (NM_001271429.2); c.1070C>T (NM_015047.1); short protein forms S335L, S356L, S357L.
Identifiers: ClinVar variation 962116 (VCV000962116.9), dbSNP rs201276598, ClinGen allele CA652694.

ClinVar aggregate classification (germline): Uncertain significance. Review status: criteria provided, multiple submitters, no conflicts (2 of 4 stars). 2 submissions from 2 submitters: Uncertain significance (2). Last evaluated 2025-03-18.

Conditions:
Inborn genetic diseases. Identifiers: MedGen C0950123, MeSH D030342.

Allele frequency attached by ClinVar (database versions not stated): gnomAD 0.00003 and 0.00005; gnomAD exomes 0.00003 and 0.00004; TOPMed 0.00003; ExAC 0.00005; 1000 Genomes Project 30x 0.00031; 1000 Genomes Project 0.00040.

Submissions (2):

Labcorp Genetics (formerly Invitae), Labcorp
Classification: Uncertain significance. Last evaluated: 2025-03-18. Review status: criteria provided, single submitter. Criteria: Invitae Variant Classification Sherloc (09022015). Collection method: clinical testing. Allele origin: germline.
Comment: This sequence change replaces serine, which is neutral and polar, with leucine, which is neutral and non-polar, at codon 357 of the EMC1 protein (p.Ser357Leu). This variant is present in population databases (rs201276598, gnomAD 0.03%). This variant has not been reported in the literature in individuals affected with EMC1-related conditions. ClinVar contains an entry for this variant (Variation ID: 962116). An algorithm developed to predict the effect of missense changes on protein structure and function outputs the following: PolyPhen-2: "Benign". The leucine amino acid residue is found in multiple mammalian species, which suggests that this missense change does not adversely affect protein function. Algorithms developed to predict the effect of sequence changes on RNA splicing suggest that this variant may disrupt the consensus splice site. In summary, the available evidence is currently insufficient to determine the role of this variant in disease. Therefore, it has been classified as a Variant of Uncertain Significance.

Ambry Genetics
Classification: Uncertain significance for Inborn genetic diseases. Last evaluated: 2024-10-16. Review status: criteria provided, single submitter. Criteria: Ambry Variant Classification Scheme 2023. Collection method: clinical testing. Allele origin: germline.